The following is an entry in ClinVar:

ClinVar aggregate classification (germline): Uncertain significance. Review status: criteria provided, multiple submitters, no conflicts (2 of 4 stars). 2 submissions from 2 submitters: Uncertain significance (2). Last evaluated 2021-05-18.

Conditions:
Primary immunodeficiency with post-measles-mumps-rubella vaccine viral infection. Also called: Immunodeficiency 44. Identifiers: Orphanet 431166, MedGen C4225260, MONDO:0014715, OMIM 616636.

Allele frequency attached by ClinVar (database versions not stated): TOPMed below 0.00001; ExAC 0.00002; gnomAD exomes 0.00002.
gnomAD v4.1: 23 of 1,614,112 alleles (0.0014%); highest among the groups gnomAD compares: Non-Finnish European, 0.0019%; no homozygotes.

Submissions (2):

Labcorp Genetics (formerly Invitae), Labcorp
Classification: Uncertain significance for Primary immunodeficiency with post-measles-mumps-rubella vaccine viral infection. Last evaluated: 2021-05-18. Review status: criteria provided, single submitter. Criteria: Invitae Variant Classification Sherloc (09022015). Collection method: clinical testing. Allele origin: germline.
Comment: In summary, the available evidence is currently insufficient to determine the role of this variant in disease. Therefore, it has been classified as a Variant of Uncertain Significance. Advanced modeling of protein sequence and biophysical properties (such as structural, functional, and spatial information, amino acid conservation, physicochemical variation, residue mobility, and thermodynamic stability) performed at Invitae indicates that this missense variant is expected to disrupt STAT2 protein function. This variant has not been reported in the literature in individuals with STAT2-related conditions. This variant is present in population databases (rs746480042, ExAC 0.006%). This sequence change replaces arginine with tryptophan at codon 687 of the STAT2 protein (p.Arg687Trp). The arginine residue is moderately conserved and there is a moderate physicochemical difference between arginine and tryptophan.

Blueprint Genetics
Classification: Uncertain significance. Last evaluated: 2020-01-07. Review status: criteria provided, single submitter. Criteria: ACMG Guidelines, 2015. Collection method: clinical testing. Allele origin: germline.

NM_005419.4(STAT2):c.2059C>T (p.Arg687Trp)

Gene: STAT2 (signal transducer and activator of transcription 2; minus strand). Cytogenetic location: 12q13.3.
Variant type: single nucleotide variant.
Coding change: c.2059C>T on transcript NM_005419.4 (MANE Select); coding-DNA position 2059, C replaced by T.
Protein change: p.Arg687Trp; replaces arginine 687 with tryptophan.
Molecular consequence: missense variant.
Genome position (GRCh38, 1-based): chr12:56,346,189, G>A on the plus strand (C>T on the coding strand, the complement: STAT2 is on the minus strand). VCF-style: chr12-56346189-G-A. GRCh37 (hg19) VCF-style: chr12-56739973-G-A.
Other names: c.2026C>T, p.Arg676Trp (NM_001385110.1); c.1960C>T, p.Arg654Trp (NM_001385111.1); c.2059C>T, p.Arg687Trp (NM_001385113.1); c.2038C>T, p.Arg680Trp (NM_001385114.1); c.2017C>T, p.Arg673Trp (NM_001385115.1); c.2047C>T, p.Arg683Trp (NM_198332.2); short protein forms R654W, R673W, R676W, R680W, R683W, R687W.
Identifiers: ClinVar variation 1021502 (VCV001021502.7), dbSNP rs746480042, ClinGen allele CA6630324.
Genomic context (GRCh38, chr12:56,346,189, plus strand): 5'-AAGAGTTCATATCTCACCTATTAGAGACCACAATGAGCCTGTGTTTCAGGTATTTCCTCC[G>A]TTCCTGGAGATTAACTGTGAGGAACATATACAAGAAGCAGAGAAGATCAGTGGGCCAGAC-3'
Protein context (NP_005410.1, residues 677-697): YYQEKVNLQE[Arg687Trp]RKYLKHRLIV